The following is an entry in ClinVar:

ClinVar aggregate classification (germline): Pathogenic/Likely pathogenic. Review status: criteria provided, multiple submitters, no conflicts (2 of 4 stars). 4 submissions from 4 submitters: Pathogenic (3); Likely pathogenic (1). Last evaluated 2023-09-14.

Conditions:
Hereditary cancer-predisposing syndrome. Also called: Tumor predisposition; Hereditary neoplastic syndrome; Neoplastic Syndromes, Hereditary; Hereditary Cancer Syndrome. Identifiers: Orphanet 140162, MedGen C0027672, MeSH D009386, MONDO:0015356.
Familial cancer of breast. Also called: BREAST CANCER, FAMILIAL; hereditary breast carcinoma; Hereditary breast cancer. Identifiers: Orphanet 227535, MedGen C0346153, MONDO:0016419, OMIM 114480. Disease mechanism: loss of function.

Submissions (4):

Myriad Genetics, Inc.
Classification: Pathogenic for Familial cancer of breast. Last evaluated: 2023-09-14. Review status: criteria provided, single submitter. Criteria: Myriad Autosomal Dominant, Autosomal Recessive and X-Linked Classification Criteria (2023). Collection method: clinical testing. Allele origin: unknown.
Comment: This variant is considered pathogenic. This variant creates a frameshift predicted to result in premature protein truncation.

Labcorp Genetics (formerly Invitae), Labcorp
Classification: Pathogenic for Familial cancer of breast. Last evaluated: 2022-05-29. Review status: criteria provided, single submitter. Criteria: Invitae Variant Classification Sherloc (09022015). Collection method: clinical testing. Allele origin: germline.
Comment: This sequence change creates a premature translational stop signal (p.Met1022Glyfs*12) in the PALB2 gene. It is expected to result in an absent or disrupted protein product. Loss-of-function variants in PALB2 are known to be pathogenic (PMID: 17200668, 17200671, 17200672, 24136930, 25099575). This variant is not present in population databases (gnomAD no frequency). This variant has not been reported in the literature in individuals affected with PALB2-related conditions. ClinVar contains an entry for this variant (Variation ID: 666024). For these reasons, this variant has been classified as Pathogenic.

Ambry Genetics
Classification: Pathogenic for Hereditary cancer-predisposing syndrome. Last evaluated: 2021-12-17. Review status: criteria provided, single submitter. Criteria: Ambry Variant Classification Scheme 2023. Collection method: clinical testing. Allele origin: germline.
Comment: The c.3062_3063dupGG pathogenic mutation, located in coding exon 10 of the PALB2 gene, results from a duplication of GG at nucleotide position 3062, causing a translational frameshift with a predicted alternate stop codon (p.M1022Gfs*12). This variant is considered to be rare based on population cohorts in the Genome Aggregation Database (gnomAD). This alteration is expected to result in loss of function by premature protein truncation or nonsense-mediated mRNA decay. As such, this alteration is interpreted as a disease-causing mutation.

Baylor Genetics
Classification: Likely pathogenic for Familial cancer of breast. Last evaluated: 2021-11-13. Review status: criteria provided, single submitter. Criteria: ACMG Guidelines, 2015. Collection method: clinical testing. Allele origin: unknown.

Literature cited by the submitters: PubMed 17200668 (cited by Labcorp Genetics (formerly Invitae), Labcorp); PubMed 17200671 (cited by Labcorp Genetics (formerly Invitae), Labcorp); PubMed 17200672 (cited by Labcorp Genetics (formerly Invitae), Labcorp); PubMed 24136930 (cited by Labcorp Genetics (formerly Invitae), Labcorp); PubMed 25099575 (cited by Labcorp Genetics (formerly Invitae), Labcorp).

NM_024675.4(PALB2):c.3062_3063dup (p.Met1022fs)

Gene: PALB2 (partner and localizer of BRCA2; minus strand). Cytogenetic location: 16p12.2.
Variant type: Duplication.
Coding change: c.3062_3063dup on transcript NM_024675.4 (MANE Select); coding-DNA positions 3062 to 3063, 2 bases duplicated (GG; older notation c.3062_3063dupGG).
Protein change: p.Met1022fs; shifts the reading frame from methionine 1022.
Molecular consequence: frameshift variant.
Genome position (GRCh38, 1-based): chr16:23,621,412-23,621,413, CC duplicated on the plus strand (GG on the coding strand, the reverse complement: PALB2 is on the minus strand); duplicating any 2 consecutive bases within chr16:23,621,412-23,621,414 gives the same sequence; the c. name uses the placement nearest the transcript's 3' end. VCF-style (leftmost placement, unchanged base first): chr16-23621411-T-TCC. GRCh37 (hg19) VCF-style: chr16-23632732-T-TCC.
Other names: c.3062_3063dupGG (NM_024675.3); short protein forms M1022fs.
Identifiers: ClinVar variation 666024 (VCV000666024.14), dbSNP rs1597079711, ClinGen allele CA915949166.